The following is an entry in ClinVar:

ClinVar aggregate classification (germline): Uncertain significance. Review status: criteria provided, multiple submitters, no conflicts (2 of 4 stars). 2 submissions from 2 submitters: Uncertain significance (2). Last evaluated 2025-02-24.

Conditions:
Parkinsonism-dystonia, infantile. Identifiers: Orphanet 238455, MedGen C2751067, MONDO:0013150.

Allele frequency attached by ClinVar (database versions not stated): gnomAD 0.00002; TOPMed 0.00005; gnomAD exomes 0.00007 and 0.00010; ESP Exome Variant Server 0.00008; ExAC 0.00009.
gnomAD v4.1: 154 of 1,613,822 alleles (0.0095%); highest among the groups gnomAD compares: Non-Finnish European, 0.012%; no homozygotes.

Submissions (2):

GeneDx
Classification: Uncertain significance. Last evaluated: 2025-02-24. Review status: criteria provided, single submitter. Criteria: GeneDx Variant Classification Process June 2021. Collection method: clinical testing. Allele origin: germline. Affected: yes.
Comment: Not observed at significant frequency in large population cohorts (gnomAD); In silico analysis indicates that this missense variant does not alter protein structure/function; Has not been previously published as pathogenic or benign to our knowledge

Labcorp Genetics (formerly Invitae), Labcorp
Classification: Uncertain significance for Parkinsonism-dystonia, infantile. Last evaluated: 2022-10-27. Review status: criteria provided, single submitter. Criteria: Invitae Variant Classification Sherloc (09022015). Collection method: clinical testing. Allele origin: germline.
Comment: This sequence change replaces lysine, which is basic and polar, with arginine, which is basic and polar, at codon 579 of the SLC6A3 protein (p.Lys579Arg). This variant is present in population databases (rs373070875, gnomAD 0.01%). This variant has not been reported in the literature in individuals affected with SLC6A3-related conditions. ClinVar contains an entry for this variant (Variation ID: 936886). Advanced modeling of protein sequence and biophysical properties (such as structural, functional, and spatial information, amino acid conservation, physicochemical variation, residue mobility, and thermodynamic stability) performed at Invitae indicates that this missense variant is not expected to disrupt SLC6A3 protein function. In summary, the available evidence is currently insufficient to determine the role of this variant in disease. Therefore, it has been classified as a Variant of Uncertain Significance.

NM_001044.5(SLC6A3):c.1736A>G (p.Lys579Arg)

Gene: SLC6A3 (solute carrier family 6 member 3). Cytogenetic location: 5p15.33.
Variant type: single nucleotide variant.
Coding change: c.1736A>G on transcript NM_001044.5 (MANE Select); coding-DNA position 1736, A replaced by G.
Protein change: p.Lys579Arg; replaces lysine 579 with arginine.
Molecular consequence: missense variant.
Genome position (GRCh38, 1-based): chr5:1,402,953, T>C on the plus strand (A>G on the coding strand, the complement: SLC6A3 is on the minus strand). VCF-style: chr5-1402953-T-C. GRCh37 (hg19) VCF-style: chr5-1403068-T-C.
Other names: short protein forms K579R.
Identifiers: ClinVar variation 936886 (VCV000936886.8), dbSNP rs373070875, ClinGen allele CA3185940.